The following is an entry in ClinVar:

ClinVar aggregate classification (germline): Uncertain significance. Review status: criteria provided, multiple submitters, no conflicts (2 of 4 stars). 2 submissions from 2 submitters: Uncertain significance (2). Last evaluated 2025-01-26.

Conditions:
Pulmonary fibrosis and/or bone marrow failure, Telomere-related, 3. Also called: PULMONARY FIBROSIS AND/OR BONE MARROW FAILURE SYNDROME, TELOMERE-RELATED, 3. Identifiers: Orphanet 2032, MedGen C4225346, MONDO:0014613, OMIM 616373.
Dyskeratosis congenita, autosomal recessive 5 (DKCB5). Identifiers: MedGen C3554656, MONDO:0014076, OMIM 615190.
Inborn genetic diseases. Identifiers: MedGen C0950123, MeSH D030342.

Allele frequency attached by ClinVar (database versions not stated): gnomAD 0.00001; gnomAD exomes 0.00001; TOPMed 0.00003; ExAC 0.00005.
gnomAD v4.1: 22 of 1,612,504 alleles (0.0014%); highest among the groups gnomAD compares: East Asian, 0.0045%; no homozygotes.

Submissions (2):

Labcorp Genetics (formerly Invitae), Labcorp
Classification: Uncertain significance for Dyskeratosis congenita, autosomal recessive 5; Pulmonary fibrosis and/or bone marrow failure, Telomere-related, 3. Last evaluated: 2025-01-26. Review status: criteria provided, single submitter. Criteria: Invitae Variant Classification Sherloc (09022015). Collection method: clinical testing. Allele origin: germline.
Comment: This sequence change replaces arginine, which is basic and polar, with glutamine, which is neutral and polar, at codon 432 of the RTEL1 protein (p.Arg432Gln). This variant is present in population databases (rs770158407, gnomAD 0.005%). This variant has not been reported in the literature in individuals affected with RTEL1-related conditions. ClinVar contains an entry for this variant (Variation ID: 2586484). An algorithm developed to predict the effect of missense changes on protein structure and function outputs the following: PolyPhen-2: "Benign". The glutamine amino acid residue is found in multiple mammalian species, which suggests that this missense change does not adversely affect protein function. In summary, the available evidence is currently insufficient to determine the role of this variant in disease. Therefore, it has been classified as a Variant of Uncertain Significance.

Ambry Genetics
Classification: Uncertain significance for Inborn genetic diseases. Last evaluated: 2023-09-06. Review status: criteria provided, single submitter. Criteria: Ambry Variant Classification Scheme 2023. Collection method: clinical testing. Allele origin: germline.
Comment: The p.R456Q variant (also known as c.1367G>A), located in coding exon 15 of the RTEL1 gene, results from a G to A substitution at nucleotide position 1367. The arginine at codon 456 is replaced by glutamine, an amino acid with highly similar properties. This amino acid position is conserved. In addition, this alteration is predicted to be tolerated by in silico analysis. Since supporting evidence is limited at this time, the clinical significance of this alteration remains unclear.

NM_001283009.2(RTEL1):c.1295G>A (p.Arg432Gln)

Genes: RTEL1 (regulator of telomere elongation helicase 1; plus strand), RTEL1-TNFRSF6B (RTEL1-TNFRSF6B readthrough (NMD candidate); plus strand). Cytogenetic location: 20q13.33.
Variant type: single nucleotide variant.
Coding change: c.1295G>A on transcript NM_001283009.2 (MANE Select); coding-DNA position 1295, G replaced by A.
Protein change: p.Arg432Gln; replaces arginine 432 with glutamine.
Molecular consequence: missense variant. On other transcripts: non-coding transcript variant (1).
Genome position (GRCh38, 1-based): chr20:63,685,819, G>A. VCF-style: chr20-63685819-G-A. GRCh37 (hg19) VCF-style: chr20-62317172-G-A.
Other names: c.626G>A, p.Arg209Gln (NM_001283010.1); c.1295G>A, p.Arg432Gln (NM_016434.4); c.1367G>A, p.Arg456Gln (NM_032957.5); short protein forms R432Q, R209Q, R456Q.
Identifiers: ClinVar variation 2586484 (VCV002586484.4), dbSNP rs770158407, ClinGen allele CA9964726.
Genomic context (GRCh38, chr20:63,685,819, plus strand): 5'-GGCCTCCACACTCCTGGTCCTGTCCCCTCCAGGTGCACATCCATCCTGATGCTGGTCACC[G>A]GAGGACGGCTCAGCGGTCTGATGCCTGGAGCACCACTGCAGCCAGAAAGCGAGGTACAGA-3'
Protein context (NP_001269938.1, residues 422-442): KVHIHPDAGH[Arg432Gln]RTAQRSDAWS